The following is an entry in ClinVar:

ClinVar aggregate classification (germline): Uncertain significance. Review status: criteria provided, multiple submitters, no conflicts (2 of 4 stars). 2 submissions from 2 submitters: Uncertain significance (2). Last evaluated 2026-02-04.

Conditions:
Renal cell carcinoma. Identifiers: Orphanet 217071, MedGen C0007134, MeSH D002292, MONDO:0005086, HP:0005584.
Hereditary cancer-predisposing syndrome. Also called: Neoplastic Syndromes, Hereditary; Hereditary neoplastic syndrome; Tumor predisposition; Hereditary Cancer Syndrome. Identifiers: Orphanet 140162, MedGen C0027672, MeSH D009386, MONDO:0015356.

gnomAD v4.1: 3 of 1,613,844 alleles (0.00019%); highest among the groups gnomAD compares: Non-Finnish European, 0.00025%; no homozygotes.

Submissions (2):

Ambry Genetics
Classification: Uncertain significance for Hereditary cancer-predisposing syndrome. Last evaluated: 2026-02-04. Review status: criteria provided, single submitter. Criteria: Ambry Variant Classification Scheme 2023. Collection method: clinical testing. Allele origin: germline.
Comment: The c.1392+1G>T intronic variant results from a G to T substitution one nucleotide after coding exon 2 of the MET gene. This nucleotide position is highly conserved in available vertebrate species. In silico splice site analysis predicts that this alteration will weaken the native splice donor site and will result in the creation or strengthening of a novel splice donor site. Variants that disrupt the canonical splice site are expected to cause aberrant splicing, resulting in an abnormal protein or a transcript that is subject to nonsense-mediated mRNA decay. However, loss of function has not been established as a mechanism of disease. Based on the available evidence, the clinical significance of this variant remains unclear.

Labcorp Genetics (formerly Invitae), Labcorp
Classification: Uncertain significance for Renal cell carcinoma. Last evaluated: 2022-05-06. Review status: criteria provided, single submitter. Criteria: Invitae Variant Classification Sherloc (09022015). Collection method: clinical testing. Allele origin: germline.
Comment: In summary, the available evidence is currently insufficient to determine the role of this variant in disease. Therefore, it has been classified as a Variant of Uncertain Significance. Algorithms developed to predict the effect of sequence changes on RNA splicing suggest that this variant may disrupt the consensus splice site. ClinVar contains an entry for this variant (Variation ID: 662231). This variant has not been reported in the literature in individuals affected with MET-related conditions. This variant is not present in population databases (gnomAD no frequency). This sequence change affects a donor splice site in intron 3 of the MET gene. It is expected to disrupt RNA splicing. Variants that disrupt the donor or acceptor splice site typically lead to a loss of protein function (PMID: 16199547), however the current clinical and genetic evidence is not sufficient to establish whether loss-of-function variants in MET cause disease.

Literature cited by the submitters: PubMed 16199547 (cited by Labcorp Genetics (formerly Invitae), Labcorp).

NM_000245.4(MET):c.1392+1G>T

Gene: MET (MET proto-oncogene, receptor tyrosine kinase; plus strand). Cytogenetic location: 7q31.2.
Variant type: single nucleotide variant.
Coding change: c.1392+1G>T on transcript NM_000245.4 (MANE Select); the canonical splice donor site of the intron after coding-DNA position 1392, G replaced by T.
Molecular consequence: splice donor variant.
Genome position (GRCh38, 1-based): chr7:116,731,860, G>T. VCF-style: chr7-116731860-G-T. GRCh37 (hg19) VCF-style: chr7-116371914-G-T.
Other names: c.1392+1G>T (NM_001127500.3, NM_001324401.3); c.102+1G>T (NM_001324402.2).
Identifiers: ClinVar variation 662231 (VCV000662231.10), dbSNP rs1584914409, ClinGen allele CA368973180.
Genomic context (GRCh38, chr7:116,731,860, plus strand): 5'-TTCATTAAAGGAGACCTCACCATAGCTAATCTTGGGACATCAGAGGGTCGCTTCATGCAG[G>T]TAAGTGCTTTCTGAGAGTAGCTGTGTCTGTTCTATCTGGTATTGTGCAATTAATTTGTTT-3'